The following is an entry in ClinVar:

NM_001184900.3(CARD8):c.767_768delinsCT (p.Leu256Pro)

Gene: CARD8 (caspase recruitment domain family member 8; minus strand). Cytogenetic location: 19q13.33.
Variant type: Indel.
Coding change: c.767_768delinsCT on transcript NM_001184900.3 (MANE Select); coding-DNA positions 767 to 768, TC replaced by CT.
Protein change: p.Leu256Pro; replaces leucine 256 with proline.
Molecular consequence: missense variant. On other transcripts: non-coding transcript variant (4).
Genome position (GRCh38, 1-based): chr19:48,230,781-48,230,782, GA replaced by AG on the plus strand (TC replaced by CT on the coding strand, the reverse complement: CARD8 is on the minus strand). VCF-style: chr19-48230781-GA-AG. GRCh37 (hg19) VCF-style: chr19-48734038-GA-AG.
Other names: c.617_618delinsCT, p.Leu206Pro (NM_001184901.1, NM_001351783.2, NM_001351788.2 and 2 more transcripts); c.767_768delinsCT, p.Leu256Pro (NM_001184902.2, NM_001184903.1, NM_001351782.2); c.452_453delinsCT, p.Leu151Pro (NM_001351784.2, NM_001351787.2, NM_001351791.2 and 2 more transcripts); c.431_432delinsCT, p.Leu144Pro (NM_001351786.2); c.524_525delinsCT, p.Leu175Pro (NM_001351790.2); short protein forms L206P, L151P, L256P, L144P, L175P.
Identifiers: ClinVar variation 1380231 (VCV001380231.8), dbSNP rs2146201858, ClinGen allele CA2573156508.

ClinVar aggregate classification (germline): Uncertain significance (1 of 4 stars; one submission).

Submission:

Labcorp Genetics (formerly Invitae), Labcorp
Classification: Uncertain significance. Last evaluated: 2025-09-17. Review status: criteria provided, single submitter. Criteria: Invitae Variant Classification Sherloc (09022015). Collection method: clinical testing. Allele origin: germline.
Comment: This sequence change replaces leucine, which is neutral and non-polar, with proline, which is neutral and non-polar, at codon 206 of the CARD8 protein (p.Leu206Pro). This variant is present in population databases (no rsID available, gnomAD 0.002%). This variant has not been reported in the literature in individuals affected with CARD8-related conditions. ClinVar contains an entry for this variant (Variation ID: 1380231). An algorithm developed to predict the effect of missense changes on protein structure and function (PolyPhen-2) suggests that this variant is likely to be disruptive. In summary, the available evidence is currently insufficient to determine the role of this variant in disease. Therefore, it has been classified as a Variant of Uncertain Significance.